The following is an entry in ClinVar:

ClinVar aggregate classification (germline): Pathogenic (1 of 4 stars; one submission).

Submission:

GeneDx
Classification: Pathogenic. Last evaluated: 2015-06-10. Review status: criteria provided, single submitter. Criteria: GeneDx Variant Classification (06012015). Collection method: clinical testing. Allele origin: germline. Affected: yes.
Comment: The c.668-1 G>A variant has been previously reported in association with van der Woude syndrome(Ferreira de Lima et al., 2009). This variant destroys the canonical splice acceptor site in intron 6, and is expected to cause abnormal gene splicing.

NM_006147.4(IRF6):c.668-1G>A

Gene: IRF6 (interferon regulatory factor 6; minus strand). Cytogenetic location: 1q32.2.
Variant type: single nucleotide variant.
Coding change: c.668-1G>A on transcript NM_006147.4 (MANE Select); the canonical splice acceptor site of the intron before coding-DNA position 668, G replaced by A.
Molecular consequence: splice acceptor variant.
Genome position (GRCh38, 1-based): chr1:209,790,888, C>T on the plus strand (G>A on the coding strand, the complement: IRF6 is on the minus strand). VCF-style: chr1-209790888-C-T. GRCh37 (hg19) VCF-style: chr1-209964233-C-T.
Other names: c.383-1G>A (NM_001206696.2).
Identifiers: ClinVar variation 265198 (VCV000265198.2), dbSNP rs886039390, ClinGen allele CA10588277.